The following is an entry in ClinVar:

NM_001276345.2(TNNT2):c.529A>G (p.Lys177Glu)

Gene: TNNT2 (troponin T2, cardiac type; minus strand). Cytogenetic location: 1q32.1.
Variant type: single nucleotide variant.
Coding change: c.529A>G on transcript NM_001276345.2 (MANE Select); coding-DNA position 529, A replaced by G.
Protein change: p.Lys177Glu; replaces lysine 177 with glutamic acid.
Molecular consequence: missense variant.
Genome position (GRCh38, 1-based): chr1:201,363,367, T>C on the plus strand (A>G on the coding strand, the complement: TNNT2 is on the minus strand). VCF-style: chr1-201363367-T-C. GRCh37 (hg19) VCF-style: chr1-201332495-T-C.
Other names: c.529A>G, p.Lys177Glu (NM_000364.4); c.499A>G, p.Lys167Glu (NM_001001430.3, NM_001001431.3, NM_001276347.2); c.484A>G, p.Lys162Glu (NM_001001432.3); c.409A>G, p.Lys137Glu (NM_001276346.2); short protein forms K137E, K162E, K167E, K177E.
Identifiers: ClinVar variation 1305440 (VCV001305440.8), dbSNP rs2102245349, ClinGen allele CA344204476.

ClinVar aggregate classification (germline): Uncertain significance. Review status: criteria provided, multiple submitters, no conflicts (2 of 4 stars). 5 submissions from 3 submitters: Uncertain significance (5). Last evaluated 2024-10-30.

Conditions:
Hypertrophic cardiomyopathy 2. Also called: TNNT2-Related Familial Hypertrophic Cardiomyopathy. Identifiers: MedGen C1861864, MONDO:0007266, OMIM 115195.
Cardiomyopathy, familial restrictive, 3. Identifiers: Orphanet 75249, MedGen C2676271, MONDO:0012900, OMIM 612422.
Dilated cardiomyopathy 1D. Identifiers: Orphanet 154, Orphanet 54260, MedGen C1832243, MONDO:0011095, OMIM 601494.

Submissions (5):

Labcorp Genetics (formerly Invitae), Labcorp
Classification: Uncertain significance for Cardiomyopathy, familial restrictive, 3; Hypertrophic cardiomyopathy 2; Dilated cardiomyopathy 1D. Last evaluated: 2024-10-30. Review status: criteria provided, single submitter. Criteria: Invitae Variant Classification Sherloc (09022015). Collection method: clinical testing. Allele origin: germline.
Comment: This sequence change replaces lysine, which is basic and polar, with glutamic acid, which is acidic and polar, at codon 167 of the TNNT2 protein (p.Lys167Glu). This variant is not present in population databases (gnomAD no frequency). This missense change has been observed in individual(s) with clinical features of TNNT2-related conditions (PMID: 26688388). ClinVar contains an entry for this variant (Variation ID: 1305440). Invitae Evidence Modeling of protein sequence and biophysical properties (such as structural, functional, and spatial information, amino acid conservation, physicochemical variation, residue mobility, and thermodynamic stability) indicates that this missense variant is not expected to disrupt TNNT2 protein function with a negative predictive value of 80%. In summary, the available evidence is currently insufficient to determine the role of this variant in disease. Therefore, it has been classified as a Variant of Uncertain Significance.

Genome-Nilou Lab
Classification: Uncertain significance for Dilated cardiomyopathy 1D. Last evaluated: 2023-04-11. Review status: criteria provided, single submitter. Criteria: ACMG Guidelines, 2015. Collection method: clinical testing. Allele origin: germline. Affected: no.

Genome-Nilou Lab
Classification: Uncertain significance for Cardiomyopathy, familial restrictive, 3. Last evaluated: 2023-04-11. Review status: criteria provided, single submitter. Criteria: ACMG Guidelines, 2015. Collection method: clinical testing. Allele origin: germline. Affected: no.

Genome-Nilou Lab
Classification: Uncertain significance for Hypertrophic cardiomyopathy 2. Last evaluated: 2023-04-11. Review status: criteria provided, single submitter. Criteria: ACMG Guidelines, 2015. Collection method: clinical testing. Allele origin: germline. Affected: no.

GeneDx
Classification: Uncertain significance. Last evaluated: 2020-01-03. Review status: criteria provided, single submitter. Criteria: GeneDx Variant Classification Process June 2021. Collection method: clinical testing. Allele origin: germline. Affected: yes.
Comment: Identified in association with cardiomyopathy in published literature (Chanavat et al., 2016); Not observed in large population cohorts (Lek et al., 2016); In silico analysis, which includes protein predictors and evolutionary conservation, supports a deleterious effect; This variant is associated with the following publications: (PMID: 26688388)

Literature cited by the submitters: PubMed 26688388 (cited by Labcorp Genetics (formerly Invitae), Labcorp).